The following is an entry in ClinVar:

NM_018133.4(MSL2):c.659dup (p.Cys221fs)

Gene: MSL2 (MSL complex subunit 2; minus strand). Cytogenetic location: 3q22.3.
Variant type: Duplication.
Coding change: c.659dup on transcript NM_018133.4 (MANE Select); coding-DNA position 659, one base duplicated (T; older notation c.659dupT).
Protein change: p.Cys221fs; shifts the reading frame from cysteine 221.
Molecular consequence: frameshift variant.
Genome position (GRCh38, 1-based): chr3:136,152,222, A duplicated on the plus strand (T on the coding strand, the reverse complement: MSL2 is on the minus strand). VCF-style (leftmost placement, unchanged base first): chr3-136152221-T-TA. GRCh37 (hg19) VCF-style: chr3-135871063-T-TA.
Other names: c.437dup, p.Cys147fs (NM_001145417.2); short protein forms C147fs, C221fs.
Identifiers: ClinVar variation 3390498 (VCV003390498.2).
Genomic context (GRCh38, chr3:136,152,221, plus strand): 5'-GTCACAAACGGGTGGCAGGCTGTCAGACAGATCCTCAGTTTTTATGTCAACAGTATTACA[T>TA]ACGTCAATCGTATTTGAATGTTCAGGTGAAGGAATATTTATACCAAATCTATCTATTGAA-3'

ClinVar aggregate classification (germline): Pathogenic (1 of 4 stars; one submission).

Submission:

GeneDx
Classification: Pathogenic. Last evaluated: 2026-01-15. Review status: criteria provided, single submitter. Criteria: GeneDx Variant Classification Process June 2021. Collection method: clinical testing. Allele origin: germline.
Comment: Not observed at significant frequency in large population cohorts (gnomAD); Frameshift variant predicted to result in abnormal protein length as the last 357 amino acid(s) are replaced with 1 different amino acid(s), and other similar variants have been reported in HGMD; This variant is associated with the following publications: (PMID: 38815585)